The following is an entry in ClinVar:

ClinVar aggregate classification (germline): Uncertain significance. Review status: criteria provided, multiple submitters, no conflicts (2 of 4 stars). 2 submissions from 2 submitters: Uncertain significance (2). Last evaluated 2026-03-06.

Conditions:
Tuberous sclerosis 2 (TSC2). Identifiers: Orphanet 805, MedGen C1860707, MONDO:0013199, OMIM 613254.
Hereditary cancer-predisposing syndrome. Also called: Neoplastic Syndromes, Hereditary; Tumor predisposition; Hereditary Cancer Syndrome; Hereditary neoplastic syndrome. Identifiers: Orphanet 140162, MedGen C0027672, MeSH D009386, MONDO:0015356.

Submissions (2):

Ambry Genetics
Classification: Uncertain significance for Hereditary cancer-predisposing syndrome. Last evaluated: 2026-03-06. Review status: criteria provided, single submitter. Criteria: Ambry Variant Classification Scheme 2023. Collection method: clinical testing. Allele origin: germline.
Comment: The p.G113S variant (also known as c.337G>A) is located in coding exon 4 of the TSC2 gene. The glycine at codon 113 is replaced by serine, an amino acid with similar properties. This change occurs in the first base pair of coding exon 4. This amino acid position is highly conserved in available vertebrate species. In addition, the in silico prediction for this alteration is inconclusive. Based on the available evidence, the clinical significance of this variant remains unclear.

Labcorp Genetics (formerly Invitae), Labcorp
Classification: Uncertain significance for Tuberous sclerosis 2. Last evaluated: 2025-07-15. Review status: criteria provided, single submitter. Criteria: Invitae Variant Classification Sherloc (09022015). Collection method: clinical testing. Allele origin: germline.
Comment: This sequence change replaces glycine, which is neutral and non-polar, with serine, which is neutral and polar, at codon 113 of the TSC2 protein (p.Gly113Ser). This variant is present in population databases (rs776080693, gnomAD 0.0009%). This variant has not been reported in the literature in individuals affected with TSC2-related conditions. An algorithm developed to predict the effect of missense changes on protein structure and function (PolyPhen-2) suggests that this variant is likely to be disruptive. In summary, the available evidence is currently insufficient to determine the role of this variant in disease. Therefore, it has been classified as a Variant of Uncertain Significance.

NM_000548.5(TSC2):c.337G>A (p.Gly113Ser)

Gene: TSC2 (TSC complex subunit 2; plus strand). Cytogenetic location: 16p13.3.
Variant type: single nucleotide variant.
Coding change: c.337G>A on transcript NM_000548.5 (MANE Select); coding-DNA position 337, G replaced by A.
Protein change: p.Gly113Ser; replaces glycine 113 with serine.
Molecular consequence: missense variant. On other transcripts: 5 prime UTR variant (14), non-coding transcript variant (5), intron variant (6).
Genome position (GRCh38, 1-based): chr16:2,054,296, G>A. VCF-style: chr16-2054296-G-A. GRCh37 (hg19) VCF-style: chr16-2104297-G-A.
Other names: c.337G>A, p.Gly113Ser (NM_001077183.3, NM_001114382.3, NM_001363528.2 and 8 more transcripts); c.226G>A, p.Gly76Ser (NM_001318827.2, NM_001406670.1, NM_001406678.1); c.190G>A, p.Gly64Ser (NM_001318829.2, NM_001406675.1, NM_001406676.1 and 1 more transcripts); c.370G>A, p.Gly124Ser (NM_001318832.2); c.427G>A, p.Gly143Ser (NM_001406667.1, NM_001406668.1); c.280G>A, p.Gly94Ser (NM_001406677.1); c.-480G>A (NM_001406680.1, NM_001406683.1, NM_001406687.1); c.-109G>A (NM_001406681.1); and 6 more; short protein forms G113S, G64S, G76S, G94S, G124S, G143S.
Identifiers: ClinVar variation 4722458 (VCV004722458.2).
Genomic context (GRCh38, chr16:2,054,296, plus strand): 5'-CTTGGCAGCCGTGTGGGCGACGCTGGCAGGCTCTGCTGATCCTGTGGCTTTTGTCTTTAG[G>A]GCGAGCGTTTGGGGGTCCTCAGAGCCCTCTTCTTTAAGGTCATCAAGGATTACCCTTCCA-3'
Protein context (NP_000539.2, residues 103-123): ALLKAIVQGQ[Gly113Ser]ERLGVLRALF